The following is an entry in ClinVar:

ClinVar aggregate classification (germline): Uncertain significance (1 of 4 stars; one submission).

gnomAD v4.1: 2 of 1,614,042 alleles (0.00012%); highest among the groups gnomAD compares: Admixed American, 0.0017%; no homozygotes.

Submission:

Ambry Genetics
Classification: Uncertain significance. Last evaluated: 2025-11-11. Review status: criteria provided, single submitter. Criteria: Ambry Variant Classification Scheme 2023. Collection method: clinical testing. Allele origin: germline.
Comment: The p.E1707Q variant (also known as c.5119G>C), located in coding exon 44 of the KIF1B gene, results from a G to C substitution at nucleotide position 5119. The glutamic acid at codon 1707 is replaced by glutamine, an amino acid with highly similar properties. This amino acid position is conserved. In addition, the in silico prediction for this alteration is inconclusive. Based on the available evidence, the clinical significance of this variant remains unclear.

NM_001365951.3(KIF1B):c.5257G>C (p.Glu1753Gln)

Gene: KIF1B (kinesin family member 1B; plus strand). Cytogenetic location: 1p36.22.
Variant type: single nucleotide variant.
Coding change: c.5257G>C on transcript NM_001365951.3 (MANE Select); coding-DNA position 5257, G replaced by C.
Protein change: p.Glu1753Gln; replaces glutamic acid 1753 with glutamine.
Molecular consequence: missense variant.
Genome position (GRCh38, 1-based): chr1:10,375,014, G>C. VCF-style: chr1-10375014-G-C. GRCh37 (hg19) VCF-style: chr1-10435072-G-C.
Other names: c.5257G>C, p.Glu1753Gln (NM_001365952.1); c.5119G>C, p.Glu1707Gln (NM_015074.3); short protein forms E1753Q, E1707Q.
Identifiers: ClinVar variation 4543671 (VCV004543671.1).